The following is an entry in ClinVar:

NM_001364905.1(LRBA):c.5030A>G (p.Asn1677Ser)

Gene: LRBA (LPS responsive beige-like anchor protein; minus strand). Cytogenetic location: 4q31.3.
Variant type: single nucleotide variant.
Coding change: c.5030A>G on transcript NM_001364905.1 (MANE Select); coding-DNA position 5030, A replaced by G.
Protein change: p.Asn1677Ser; replaces asparagine 1677 with serine.
Molecular consequence: missense variant.
Genome position (GRCh38, 1-based): chr4:150,828,321, T>C on the plus strand (A>G on the coding strand, the complement: LRBA is on the minus strand). VCF-style: chr4-150828321-T-C. GRCh37 (hg19) VCF-style: chr4-151749473-T-C.
Other names: c.5030A>G, p.Asn1677Ser (NM_001199282.3, NM_001367550.1, NM_006726.5); short protein forms N1677S.
Identifiers: ClinVar variation 540408 (VCV000540408.65), dbSNP rs17027133, ClinGen allele CA3102596.

ClinVar aggregate classification (germline): Conflicting classifications of pathogenicity. Review status: criteria provided, conflicting classifications (1 of 4 stars). 11 submissions from 11 submitters: Uncertain significance (3); Benign (4); Likely benign (3). 1 of the submissions does not count toward it. Last evaluated 2026-02-11.

Conditions:
LRBA-related disorder. Also called: LRBA-related condition.
Combined immunodeficiency due to LRBA deficiency. Also called: Common variable immunodeficiency 8, with autoimmunity. Identifiers: Orphanet 445018, MedGen C3553512, MONDO:0013863, OMIM 614700.

Allele frequency attached by ClinVar (database versions not stated): gnomAD exomes 0.00058 and 0.00113; ExAC 0.00128; gnomAD 0.00336 and 0.00349; ESP Exome Variant Server 0.00338; TOPMed 0.00338; 1000 Genomes Project 0.00459; 1000 Genomes Project 30x 0.00468.
gnomAD v4.1: 1,409 of 1,614,168 alleles (0.087%); highest among the groups gnomAD compares: African/African-American, 1.1%; 3 homozygotes.

Submissions (11):

Women's Health and Genetics/Laboratory Corporation of America, LabCorp
Classification: Likely benign. Last evaluated: 2026-02-11. Review status: criteria provided, single submitter. Criteria: LabCorp Variant Classification Summary - May 2015. Collection method: clinical testing. Allele origin: germline.
Comment: Variant summary: LRBA c.5030A>G (p.Asn1677Ser) results in a conservative amino acid change in the encoded protein sequence. Algorithms developed to predict the effect of missense changes on protein structure and function are either unavailable or do not agree on the potential impact of this missense change. The variant allele was found at a frequency of 0.0011 in 251350 control chromosomes, predominantly at a frequency of 0.01 within the African or African-American subpopulation in the gnomAD database. The observed variant frequency within African or African-American control individuals in the gnomAD database exceeds the estimated maximal expected allele frequency for disease-causing variants in LRBA. To our knowledge, no occurrence of c.5030A>G in individuals affected with LRBA-related conditions and no experimental evidence demonstrating its impact on protein function have been reported. ClinVar contains an entry for this variant (Variation ID: 540408). Based on the evidence outlined above, the variant was classified as likely benign.

Labcorp Genetics (formerly Invitae), Labcorp
Classification: Benign for Combined immunodeficiency due to LRBA deficiency. Last evaluated: 2026-01-26. Review status: criteria provided, single submitter. Criteria: Invitae Variant Classification Sherloc (09022015). Collection method: clinical testing. Allele origin: germline.

Mayo Clinic Laboratories, Mayo Clinic
Classification: Likely benign. Last evaluated: 2025-09-29. Review status: criteria provided, single submitter. Criteria: ACMG Guidelines, 2015. Collection method: clinical testing. Allele origin: germline. Observed: 2 variant alleles.
Comment: BS1, BS2_supporting

Blueprint Genetics
Classification: Likely benign. Last evaluated: 2024-11-25. Review status: criteria provided, single submitter. Criteria: ACMG Guidelines, 2015. Collection method: clinical testing. Allele origin: germline.

CeGaT Center for Human Genetics Tuebingen
Classification: Benign. Last evaluated: 2022-10-01. Review status: criteria provided, single submitter. Criteria: CeGaT Center For Human Genetics Tuebingen Variant Classification Criteria Version 2. Collection method: clinical testing. Allele origin: germline. Affected: yes. Observed: 2 variant alleles.
Comment: LRBA: BS1, BS2

Diagnostics Services (NGS), CSIR - Centre For Cellular And Molecular Biology
Classification: Uncertain significance for Combined immunodeficiency due to LRBA deficiency. Last evaluated: 2022-05-17. Review status: criteria provided, single submitter. Criteria: ACMG Guidelines, 2015. Collection method: clinical testing. Allele origin: unknown. Inheritance: Autosomal recessive inheritance. Affected: yes. Observed: 1 variant allele, 1 heterozygote.
Comment: The c.5030A>G variant is present in publicly available population databases like 1000 Genomes, Exome Variant Server (EVS), Exome Aggregation Consortium (ExAC), Genome Aggregation Database (gnomAD) and Indian Exome Database, at a low frequency. The variant is also present in our in-house exome database. The variant was previously reported to ClinVar (Accession: VCV000540408.9) with conflicitng interpretations of pathogenicity (Uncertain significane/benign) in association with combined immunodeficiency due to LRBA deficiency. In-silico pathogenicity prediction programs like SIFT, PolyPhen-2, MutationTaster2, CADD predicted this variant to be likely deleterious, however these predictions were not confirmed by any published functional studies.

Genetic Services Laboratory, University of Chicago
Classification: Benign. Last evaluated: 2021-01-04. Review status: criteria provided, single submitter. Criteria: ACMG Guidelines, 2015. Collection method: clinical testing. Allele origin: germline. Affected: no.

Genetics and Molecular Pathology, SA Pathology
Classification: Uncertain significance for Combined immunodeficiency due to LRBA deficiency. Last evaluated: 2019-10-02. Review status: criteria provided, single submitter. Criteria: ACMG Guidelines, 2015. Collection method: clinical testing. Allele origin: germline. Inheritance: Autosomal recessive inheritance. Affected: yes.

ARUP Laboratories, Molecular Genetics and Genomics, ARUP Laboratories
Classification: Uncertain significance. Last evaluated: 2017-10-31. Review status: criteria provided, single submitter. Criteria: ARUP Molecular Germline Variant Investigation Process. Collection method: clinical testing. Allele origin: germline.
Comment: Although the p.Asn1677Ser variant (rs17027133) has not been reported in the medical literature, it is listed in the Genome Aggregation Database (gnomAD) browser with an allele frequency of 0.99% in the African population (identified in 238 out of 24,032 chromosomes). The asparagine at codon 1677 is moderately conserved considering 13 species (Alamut software v2.10.0), and computational analyses predict that this variant does affect the structure/function of the LRBA protein (SIFT: damaging, PolyPhen2: probably damaging, MutationTaster: disease causing). However, based on the available information, the clinical significance of the p.Asn1677Ser variant cannot be determined with certainty.

Eurofins Ntd Llc (ga)
Classification: Benign. Last evaluated: 2017-06-30. Review status: criteria provided, single submitter. Criteria: EGL Classification Definitions 2015. Collection method: clinical testing. Allele origin: germline. Observed: 1 variant allele, 1 heterozygote.

PreventionGenetics, part of Exact Sciences
Classification: Likely benign for LRBA-related condition. Last evaluated: 2020-06-09. Review status: no assertion criteria provided. Collection method: clinical testing. Allele origin: germline. Not counted in ClinVar's aggregate classification.
Comment: This variant is classified as likely benign based on ACMG/AMP sequence variant interpretation guidelines (Richards et al. 2015 PMID: 25741868, with internal and published modifications).